The following is an entry in ClinVar:

ClinVar aggregate classification (germline): Uncertain significance (1 of 4 stars; one submission).

Submission:

Labcorp Genetics (formerly Invitae), Labcorp
Classification: Uncertain significance. Last evaluated: 2025-10-14. Review status: criteria provided, single submitter. Criteria: Invitae Variant Classification Sherloc (09022015). Collection method: clinical testing. Allele origin: germline.
Comment: This sequence change affects an acceptor splice site in intron 2 of the GALNT12 gene. It is expected to disrupt RNA splicing. Variants that disrupt the donor or acceptor splice site typically lead to a loss of protein function (PMID: 16199547), however the current clinical and genetic evidence is not sufficient to establish whether loss-of-function variants in GALNT12 cause disease. This variant is not present in population databases (gnomAD no frequency). This variant has not been reported in the literature in individuals affected with GALNT12-related conditions. ClinVar contains an entry for this variant (Variation ID: 2890194). Algorithms developed to predict the effect of sequence changes on RNA splicing suggest that this variant may disrupt the consensus splice site. In summary, the available evidence is currently insufficient to determine the role of this variant in disease. Therefore, it has been classified as a Variant of Uncertain Significance.

Literature cited by the submitters: PubMed 16199547.

NM_024642.5(GALNT12):c.542-2A>G

Gene: GALNT12 (polypeptide N-acetylgalactosaminyltransferase 12; plus strand). Cytogenetic location: 9q22.33.
Variant type: single nucleotide variant.
Coding change: c.542-2A>G on transcript NM_024642.5 (MANE Select); the canonical splice acceptor site of the intron before coding-DNA position 542, A replaced by G.
Molecular consequence: splice acceptor variant.
Genome position (GRCh38, 1-based): chr9:98,826,750, A>G. VCF-style: chr9-98826750-A-G. GRCh37 (hg19) VCF-style: chr9-101589032-A-G.
Identifiers: ClinVar variation 2890194 (VCV002890194.3), dbSNP rs2490501225, ClinGen allele CA374217217.
Genomic context (GRCh38, chr9:98,826,750, plus strand): 5'-TGGGATGAGGCGCTCCTCCGAGATTGTCACGGTGACCCCTGTTGCTTTGTTTGCCTCCCT[A>G]GAGCACCTGAAGGAGCGCTTGGCCAATGAGCTTTCGGGACTGCCCAAGGTGCGCCTGATC-3'